The following is an entry in ClinVar:

ClinVar aggregate classification (germline): Uncertain significance (1 of 4 stars; one submission).

Conditions:
LAMA2-related muscular dystrophy (LAMA2-RD). Also called: Laminin alpha 2-related dystrophy. Identifiers: MedGen C5679788, MONDO:0100228.

Submission:

Labcorp Genetics (formerly Invitae), Labcorp
Classification: Uncertain significance for LAMA2-related muscular dystrophy. Last evaluated: 2022-08-09. Review status: criteria provided, single submitter. Criteria: Invitae Variant Classification Sherloc (09022015). Collection method: clinical testing. Allele origin: germline.
Comment: This sequence change replaces threonine, which is neutral and polar, with arginine, which is basic and polar, at codon 780 of the LAMA2 protein (p.Thr780Arg). This variant is not present in population databases (gnomAD no frequency). This variant has not been reported in the literature in individuals affected with LAMA2-related conditions. ClinVar contains an entry for this variant (Variation ID: 942585). Algorithms developed to predict the effect of missense changes on protein structure and function are either unavailable or do not agree on the potential impact of this missense change (SIFT: "Deleterious"; PolyPhen-2: "Probably Damaging"; Align-GVGD: "Class C0"). In summary, the available evidence is currently insufficient to determine the role of this variant in disease. Therefore, it has been classified as a Variant of Uncertain Significance.

NM_000426.4(LAMA2):c.2339C>G (p.Thr780Arg)

Gene: LAMA2 (laminin subunit alpha 2; plus strand). Cytogenetic location: 6q22.33.
Variant type: single nucleotide variant.
Coding change: c.2339C>G on transcript NM_000426.4 (MANE Select); coding-DNA position 2339, C replaced by G.
Protein change: p.Thr780Arg; replaces threonine 780 with arginine.
Molecular consequence: missense variant.
Genome position (GRCh38, 1-based): chr6:129,270,640, C>G. VCF-style: chr6-129270640-C-G. GRCh37 (hg19) VCF-style: chr6-129591785-C-G.
Other names: c.2339C>G, p.Thr780Arg (NM_001079823.2); short protein forms T780R.
Identifiers: ClinVar variation 942585 (VCV000942585.4), dbSNP rs1362957079, ClinGen allele CA365609019.
Genomic context (GRCh38, chr6:129,270,640, plus strand): 5'-CCTGACACCAAAATAATAAACTCTGATGCTCATTTCTTTCTCAGAACTGTAAGGATCACA[C>G]AGGTGGCCCATATTGTGATAAATGTCTTCCTGGTTTCTATGGCGAGCCTACTAAAGGAAC-3'
Protein context (NP_000417.3, residues 770-790): TGECLNCKDH[Thr780Arg]GGPYCDKCLP